The following is an entry in ClinVar:

NM_004977.3(KCNC3):c.397G>A (p.Asp133Asn)

Gene: KCNC3 (potassium voltage-gated channel subfamily C member 3; minus strand). Cytogenetic location: 19q13.33.
Variant type: single nucleotide variant.
Coding change: c.397G>A on transcript NM_004977.3 (MANE Select); coding-DNA position 397, G replaced by A.
Protein change: p.Asp133Asn; replaces aspartic acid 133 with asparagine.
Molecular consequence: missense variant.
Genome position (GRCh38, 1-based): chr19:50,328,686, C>T on the plus strand (G>A on the coding strand, the complement: KCNC3 is on the minus strand). VCF-style: chr19-50328686-C-T. GRCh37 (hg19) VCF-style: chr19-50831943-C-T.
Other names: c.169G>A, p.Asp57Asn (NM_001372305.1); short protein forms D57N, D133N.
Identifiers: ClinVar variation 2363211 (VCV002363211.3), dbSNP rs139362943, ClinGen allele CA9594385.

ClinVar aggregate classification (germline): Uncertain significance (1 of 4 stars; one submission).

Conditions:
Inborn genetic diseases. Identifiers: MedGen C0950123, MeSH D030342.

Allele frequency attached by ClinVar (database versions not stated): gnomAD exomes below 0.00001; gnomAD 0.00002; 1000 Genomes Project 30x 0.00031; TOPMed 0.00002; 1000 Genomes Project 0.00020.
gnomAD v4.1: 5 of 1,606,662 alleles (0.00031%); highest among the groups gnomAD compares: African/African-American, 0.0067%; no homozygotes.

Submission:

Ambry Genetics
Classification: Uncertain significance for Inborn genetic diseases. Last evaluated: 2026-08-05. Review status: criteria provided, single submitter. Criteria: Ambry Variant Classification Scheme 2023. Collection method: clinical testing. Allele origin: germline.
Comment: The c.397G>A (p.D133N) alteration is located in exon 1 (coding exon 1) of the KCNC3 gene. This alteration results from a G to A substitution at nucleotide position 397, causing the aspartic acid (D) at amino acid position 133 to be replaced by an asparagine (N). Based on data from gnomAD, the A allele has an overall frequency of <0.001% (1/261284) total alleles studied. The highest observed frequency was 0.005% (1/22074) of African alleles. Based on insufficient or conflicting evidence, the clinical significance of this alteration remains unclear.